The following is an entry in ClinVar:

NM_001987.5(ETV6):c.1012T>G (p.Cys338Gly)

Genes: ETV6 (ETS variant transcription factor 6; plus strand), LOC126861452 (CDK7 strongly-dependent group 2 enhancer GRCh37_chr12:12037195-12038394; plus strand). Cytogenetic location: 12p13.2.
Variant type: single nucleotide variant.
Coding change: c.1012T>G on transcript NM_001987.5 (MANE Select); coding-DNA position 1012, T replaced by G.
Protein change: p.Cys338Gly; replaces cysteine 338 with glycine.
Molecular consequence: missense variant. On other transcripts: intron variant (1).
Genome position (GRCh38, 1-based): chr12:11,884,447, T>G. VCF-style: chr12-11884447-T-G. GRCh37 (hg19) VCF-style: chr12-12037381-T-G.
Other names: c.1009T>G, p.Cys337Gly (NM_001413913.1); c.985T>G, p.Cys329Gly (NM_001413914.1); c.748T>G, p.Cys250Gly (NM_001413915.1); c.1010-6494T>G (NM_001413917.1); short protein forms C250G, C329G, C337G, C338G.
Identifiers: ClinVar variation 4527981 (VCV004527981.1).

ClinVar aggregate classification (germline): Uncertain significance (1 of 4 stars; one submission).

Submission:

GeneDx
Classification: Uncertain significance. Last evaluated: 2025-04-30. Review status: criteria provided, single submitter. Criteria: GeneDx Variant Classification Process June 2021. Collection method: clinical testing. Allele origin: germline. Affected: yes.
Comment: Not observed at significant frequency in large population cohorts (gnomAD); In silico analysis supports that this missense variant has a deleterious effect on protein structure/function; Has not been previously published as pathogenic or benign to our knowledge; This variant is associated with the following publications: (PMID: 28555414, 28637624)